The following is an entry in ClinVar:

NM_000179.3(MSH6):c.2855T>C (p.Leu952Pro)

Gene: MSH6 (mutS homolog 6; plus strand). Cytogenetic location: 2p16.3.
Variant type: single nucleotide variant.
Coding change: c.2855T>C on transcript NM_000179.3 (MANE Select); coding-DNA position 2855, T replaced by C.
Protein change: p.Leu952Pro; replaces leucine 952 with proline.
Molecular consequence: missense variant.
Genome position (GRCh38, 1-based): chr2:47,800,838, T>C. VCF-style: chr2-47800838-T-C. GRCh37 (hg19) VCF-style: chr2-48027977-T-C.
Other names: c.2465T>C, p.Leu822Pro (NM_001281492.2); c.1949T>C, p.Leu650Pro (NM_001281493.2, NM_001281494.2); short protein forms L952P, L650P, L822P.
Identifiers: ClinVar variation 141434 (VCV000141434.19), dbSNP rs587781743, ClinGen allele CA011015.

ClinVar aggregate classification (germline): Conflicting classifications of pathogenicity. Review status: criteria provided, conflicting classifications (1 of 4 stars). 6 submissions from 6 submitters: Uncertain significance (4); Likely benign (1). 1 of the submissions does not count toward it. Last evaluated 2026-02-25.

Conditions:
MSH6-related disorder. Also called: MSH6-Related disorders; MSH6-related condition.
Hereditary nonpolyposis colorectal neoplasms. Identifiers: MedGen C0009405, MeSH D003123.
Hereditary cancer-predisposing syndrome. Also called: Tumor predisposition; Neoplastic Syndromes, Hereditary; Hereditary neoplastic syndrome; Hereditary Cancer Syndrome. Identifiers: Orphanet 140162, MedGen C0027672, MeSH D009386, MONDO:0015356.
Lynch syndrome. Identifiers: Orphanet 144, MedGen C4552100, MONDO:0005835. Disease mechanism: loss of function.

Allele frequency attached by ClinVar (database versions not stated): gnomAD exomes below 0.00001; TOPMed below 0.00001; ExAC 0.00001; gnomAD 0.00001.
gnomAD v4.1: 2 of 1,613,994 alleles (0.00012%); highest among the groups gnomAD compares: Non-Finnish European, 0.00017%; no homozygotes.

Submissions (6):

PreventionGenetics, part of Exact Sciences
Classification: Uncertain significance for MSH6-related condition. Last evaluated: 2026-02-25. Review status: criteria provided, single submitter. Criteria: ACMG Guidelines, 2015. Collection method: clinical testing. Allele origin: germline.
Comment: The MSH6 c.2855T>C variant is predicted to result in the amino acid substitution p.Leu952Pro. To our knowledge, this variant has not been reported in the literature. This variant is reported in 0.0016% of alleles in individuals of European (Non-Finnish) descent in gnomAD and has conflicting interpretations in ClinVar ranging from likely benign to uncertain (Variation ID: 141434). Although we suspect that this variant may be benign, at this time, the clinical significance of this variant is uncertain due to the absence of conclusive functional and genetic evidence.

Ambry Genetics
Classification: Uncertain significance for Hereditary cancer-predisposing syndrome. Last evaluated: 2025-10-23. Review status: criteria provided, single submitter. Criteria: Ambry Variant Classification Scheme 2023. Collection method: clinical testing. Allele origin: germline.
Comment: The p.L952P variant (also known as c.2855T>C), located in coding exon 4 of the MSH6 gene, results from a T to C substitution at nucleotide position 2855. The leucine at codon 952 is replaced by proline, an amino acid with similar properties. This amino acid position is not well conserved in available vertebrate species. In addition, the in silico prediction for this alteration is inconclusive. Since supporting evidence is limited at this time, the clinical significance of this alteration remains unclear.

Labcorp Genetics (formerly Invitae), Labcorp
Classification: Likely benign for Hereditary nonpolyposis colorectal neoplasms. Last evaluated: 2024-07-04. Review status: criteria provided, single submitter. Criteria: Invitae Variant Classification Sherloc (09022015). Collection method: clinical testing. Allele origin: germline.

All of Us Research Program, National Institutes of Health
Classification: Uncertain significance for Lynch syndrome. Last evaluated: 2023-05-04. Review status: criteria provided, single submitter. Criteria: ACMG Guidelines, 2015. Collection method: clinical testing. Allele origin: germline. Inheritance: Autosomal dominant inheritance. Observed: 1 variant allele, 1 heterozygote.
Comment: This missense variant replaces leucine with proline at codon 952 of the MSH6 protein. Computational prediction is inconclusive regarding the impact of this variant on protein structure and function (internally defined REVEL score threshold 0.5 < inconclusive < 0.7, PMID: 27666373). To our knowledge, functional studies have not been reported for this variant. This variant has not been reported in individuals affected with MSH6-related disorders in the literature. This variant has been identified in 2/281710 chromosomes in the general population by the Genome Aggregation Database (gnomAD). The available evidence is insufficient to determine the role of this variant in disease conclusively. Therefore, this variant is classified as a Variant of Uncertain Significance.

This study involves interpretation of variants in research participants for the purpose of population health screening. Participant phenotype was not available at the time of variant classification. Additional details can be found in publication PMID: 35346344, PMCID: PMC8962531

Women's Health and Genetics/Laboratory Corporation of America, LabCorp
Classification: Uncertain significance. Last evaluated: 2021-08-19. Review status: criteria provided, single submitter. Criteria: LabCorp Variant Classification Summary - May 2015. Collection method: clinical testing. Allele origin: germline.
Comment: Variant summary: MSH6 c.2855T>C (p.Leu952Pro) results in a non-conservative amino acid change in the encoded protein sequence. Three of five in-silico tools predict a damaging effect of the variant on protein function. The variant allele was found at a frequency of 4e-06 in 250318 control chromosomes. The available data on variant occurrences in the general population are insufficient to allow any conclusion about variant significance. To our knowledge, no occurrence of c.2855T>C in individuals affected with Lynch Syndrome and no experimental evidence demonstrating its impact on protein function have been reported. Two clinical diagnostic laboratories have submitted clinical-significance assessments for this variant to ClinVar after 2014 without evidence for independent evaluation. Both laboratories classified the variant as uncertain significance. Based on the evidence outlined above, the variant was classified as uncertain significance.

Department of Pathology and Laboratory Medicine, Sinai Health System
Classification: Uncertain significance. Review status: no assertion criteria provided. Collection method: clinical testing. Allele origin: unknown. Affected: yes. Study: The Canadian Open Genetics Repository (COGR). Not counted in ClinVar's aggregate classification.
Comment: The MSH6 p.Leu952Pro variant was not identified in the literature nor was it identified in the dbSNP, COSMIC, InSiGHT Colon Cancer Gene Variant Database (LOVD), Zhejiang Colon Cancer Database (LOVD), GeneInsight - COGR database or UMD databases. The variant was identified in the Exome Aggregation Consortium (ExAC) database (released Jan 13, 2015) in 1 of 120320 chromosomes (frequency: 0.8.31E-06) (or 1 individuals) from a population of European (Non-Finnish), and none from East Asian, Other, African, Latino, South Asian, or European (Finnish) individuals; and the ClinVar database (classification uncertain significance by Ambry Genetics); and in the Clinvitae database (classification uncertain significance).The p.Leu952 residue is not conserved in mammals and lower organisms, and computational analyses (PolyPhen-2, SIFT, AlignGVGD, BLOSUM, MutationTaster) provide inconsistent predictions regarding the impact to the protein; this information is not very predictive of pathogenicity. The variant occurs outside of the splicing consensus sequence and in silico or computational prediction software programs (SpliceSiteFinder, MaxEntScan, NNSPLICE, GeneSplicer, HumanSpliceFinder) do not predict a difference in splicing. In summary, based on the above information, the clinical significance of this variant cannot be determined with certainty at this time. This variant is classified as a variant of unknown significance.